The following is an entry in ClinVar:

NM_014317.5(PDSS1):c.89G>C (p.Gly30Ala)

Gene: PDSS1 (decaprenyl diphosphate synthase subunit 1; plus strand). Cytogenetic location: 10p12.1.
Variant type: single nucleotide variant.
Coding change: c.89G>C on transcript NM_014317.5 (MANE Select); coding-DNA position 89, G replaced by C.
Protein change: p.Gly30Ala; replaces glycine 30 with alanine.
Molecular consequence: missense variant. On other transcripts: 5 prime UTR variant (1).
Genome position (GRCh38, 1-based): chr10:26,697,800, G>C. VCF-style: chr10-26697800-G-C. GRCh37 (hg19) VCF-style: chr10-26986729-G-C.
Other names: c.89G>C, p.Gly30Ala (NM_001321978.2); c.-505G>C (NM_001321979.2); short protein forms G30A.
Identifiers: ClinVar variation 1687674 (VCV001687674.8), dbSNP rs17855857, ClinGen allele CA376488948.
Genomic context (GRCh38, chr10:26,697,800, plus strand): 5'-GCGGCTGCTCCTGGAAGCCGGCGGCGCGGAGCCCCGGGCCCGGCTCCCCCGGCCGTGCGG[G>C]ACCGTTGGGGCCGAGCGCCGCTGCCGAAGTCCGCGCGCAGGTGAGGTTGGGAGGCGCGCG-3'
Protein context (NP_055132.2, residues 20-40): SPGPGSPGRA[Gly30Ala]PLGPSAAAEV

ClinVar aggregate classification (germline): Uncertain significance. Review status: criteria provided, multiple submitters, no conflicts (2 of 4 stars). 3 submissions from 3 submitters: Uncertain significance (3). Last evaluated 2024-01-22.

Conditions:
Deafness-encephaloneuropathy-obesity-valvulopathy syndrome. Identifiers: Orphanet 254898, MedGen C3553354, MONDO:0013837, OMIM 614651.

gnomAD v4.1: 19 of 1,344,536 alleles (0.0014%); highest among the groups gnomAD compares: Non-Finnish European, 0.0015%; no homozygotes.

Submissions (3):

Fulgent Genetics
Classification: Uncertain significance for Deafness-encephaloneuropathy-obesity-valvulopathy syndrome. Last evaluated: 2024-01-22. Review status: criteria provided, single submitter. Criteria: ACMG Guidelines, 2015. Collection method: clinical testing. Allele origin: germline.

Labcorp Genetics (formerly Invitae), Labcorp
Classification: Uncertain significance. Last evaluated: 2022-03-18. Review status: criteria provided, single submitter. Criteria: Invitae Variant Classification Sherloc (09022015). Collection method: clinical testing. Allele origin: germline.
Comment: In summary, the available evidence is currently insufficient to determine the role of this variant in disease. Therefore, it has been classified as a Variant of Uncertain Significance. This sequence change replaces glycine, which is neutral and non-polar, with alanine, which is neutral and non-polar, at codon 30 of the PDSS1 protein (p.Gly30Ala). This variant is not present in population databases (gnomAD no frequency). This variant has not been reported in the literature in individuals affected with PDSS1-related conditions. Algorithms developed to predict the effect of missense changes on protein structure and function output the following: SIFT: "Not Available"; PolyPhen-2: "Probably Damaging"; Align-GVGD: "Not Available". The alanine amino acid residue is found in multiple mammalian species, which suggests that this missense change does not adversely affect protein function.

GeneDx
Classification: Uncertain significance. Last evaluated: 2021-11-24. Review status: criteria provided, single submitter. Criteria: GeneDx Variant Classification Process June 2021. Collection method: clinical testing. Allele origin: germline. Affected: yes.
Comment: Not observed at significant frequency in large population cohorts (gnomAD); In silico analysis supports that this missense variant does not alter protein structure/function; Has not been previously published as pathogenic or benign to our knowledge